The following is an entry in ClinVar:

ClinVar aggregate classification (germline): Uncertain significance (1 of 4 stars; one submission).

Conditions:
Leber congenital amaurosis 7 (LCA7). Identifiers: Orphanet 65, MedGen C3151192, MONDO:0013449, OMIM 613829.
Cone-rod dystrophy 2 (CORD2). Also called: CONE-ROD RETINAL DYSTROPHY; Cone-rod retinal dystrophy 2. Identifiers: Orphanet 1872, MedGen C3489532, MONDO:0007362, OMIM 120970.

Submission:

Labcorp Genetics (formerly Invitae), Labcorp
Classification: Uncertain significance for Cone-rod dystrophy 2; Leber congenital amaurosis 7. Last evaluated: 2022-01-13. Review status: criteria provided, single submitter. Criteria: Invitae Variant Classification Sherloc (09022015). Collection method: clinical testing. Allele origin: germline.
Comment: In summary, the available evidence is currently insufficient to determine the role of this variant in disease. Therefore, it has been classified as a Variant of Uncertain Significance. Experimental studies and prediction algorithms are not available or were not evaluated, and the functional significance of this variant is currently unknown. ClinVar contains an entry for this variant (Variation ID: 1058199). This variant has not been reported in the literature in individuals affected with CRX-related conditions. This variant is not present in population databases (gnomAD no frequency). This sequence change creates a premature translational stop signal (p.Gln291*) in the CRX gene. While this is not anticipated to result in nonsense mediated decay, it is expected to disrupt the last 9 amino acid(s) of the CRX protein.

NM_000554.6(CRX):c.871C>T (p.Gln291Ter)

Gene: CRX (cone-rod homeobox; plus strand). Cytogenetic location: 19q13.33.
Variant type: single nucleotide variant.
Coding change: c.871C>T on transcript NM_000554.6 (MANE Select); coding-DNA position 871, C replaced by T.
Protein change: p.Gln291Ter; replaces glutamine 291 with a stop codon.
Molecular consequence: nonsense.
Genome position (GRCh38, 1-based): chr19:47,839,938, C>T. VCF-style: chr19-47839938-C-T. GRCh37 (hg19) VCF-style: chr19-48343195-C-T.
Other names: short protein forms Q291*.
Identifiers: ClinVar variation 1058199 (VCV001058199.7), dbSNP rs2123743754, ClinGen allele CA406632009.